The following is an entry in ClinVar:

NM_001379500.1(COL18A1):c.1254C>T (p.Asp418=)

Gene: COL18A1 (collagen type XVIII alpha 1 chain; plus strand). Cytogenetic location: 21q22.3.
Variant type: single nucleotide variant.
Coding change: c.1254C>T on transcript NM_001379500.1 (MANE Select); coding-DNA position 1254, C replaced by T.
Protein change: p.Asp418=; no amino-acid change (aspartic acid 418 retained).
Molecular consequence: synonymous variant.
Genome position (GRCh38, 1-based): chr21:45,479,907, C>T. VCF-style: chr21-45479907-C-T. GRCh37 (hg19) VCF-style: chr21-46899821-C-T.
Other names: NM_130445.2:c.1254C>T; c.1794C>T, p.Asp598= (NM_030582.4); c.2499C>T, p.Asp833= (NM_130444.3); c.1794C>T (NM_030582.3).
Identifiers: ClinVar variation 447111 (VCV000447111.13), dbSNP rs368594049, ClinGen allele CA10066207.

ClinVar aggregate classification (germline): Benign/Likely benign. Review status: criteria provided, multiple submitters, no conflicts (2 of 4 stars). 4 submissions from 4 submitters: Benign (2); Likely benign (1). 1 of the submissions does not count toward it. Last evaluated 2026-01-26.

Conditions:
COL18A1-related disorder. Also called: COL18A1-related condition; COL18A1-related disorders.

Allele frequency attached by ClinVar (database versions not stated): gnomAD exomes 0.00008 and 0.00026; ExAC 0.00033; 1000 Genomes Project 0.00080; 1000 Genomes Project 30x 0.00109; gnomAD 0.00110 and 0.00117; TOPMed 0.00127; ESP Exome Variant Server 0.00187.
gnomAD v4.1: 296 of 1,613,670 alleles (0.018%); highest among the groups gnomAD compares: African/African-American, 0.36%; 1 homozygote.

Submissions (4):

Labcorp Genetics (formerly Invitae), Labcorp
Classification: Benign. Last evaluated: 2026-01-26. Review status: criteria provided, single submitter. Criteria: Invitae Variant Classification Sherloc (09022015). Collection method: clinical testing. Allele origin: germline.

Blueprint Genetics
Classification: Likely benign. Last evaluated: 2024-05-23. Review status: criteria provided, single submitter. Criteria: ACMG Guidelines, 2015. Collection method: clinical testing. Allele origin: germline.

Athena Diagnostics
Classification: Benign. Last evaluated: 2017-02-03. Review status: criteria provided, single submitter. Criteria: Athena Diagnostics Criteria. Collection method: clinical testing. Allele origin: germline.

PreventionGenetics, part of Exact Sciences
Classification: Likely benign for COL18A1-related condition. Last evaluated: 2019-06-15. Review status: no assertion criteria provided. Collection method: clinical testing. Allele origin: germline. Not counted in ClinVar's aggregate classification.
Comment: This variant is classified as likely benign based on ACMG/AMP sequence variant interpretation guidelines (Richards et al. 2015 PMID: 25741868, with internal and published modifications).